The following is an entry in ClinVar:

ClinVar aggregate classification (germline): Uncertain significance (1 of 4 stars; one submission).

Conditions:
Beckwith-Wiedemann syndrome (BWS). Also called: EMG SYNDROME; Exomphalos macroglossia gigantism syndrome. Identifiers: Orphanet 116, MedGen C0004903, MONDO:0007534, OMIM 130650.

Submission:

Labcorp Genetics (formerly Invitae), Labcorp
Classification: Uncertain significance for Beckwith-Wiedemann syndrome. Last evaluated: 2023-10-26. Review status: criteria provided, single submitter. Criteria: Invitae Variant Classification Sherloc (09022015). Collection method: clinical testing. Allele origin: germline.
Comment: This sequence change replaces alanine, which is neutral and non-polar, with threonine, which is neutral and polar, at codon 4 of the CDKN1C protein (p.Ala4Thr). This variant is not present in population databases (gnomAD no frequency). This variant has not been reported in the literature in individuals affected with CDKN1C-related conditions. ClinVar contains an entry for this variant (Variation ID: 1387868). An algorithm developed to predict the effect of missense changes on protein structure and function (PolyPhen-2) suggests that this variant is likely to be tolerated. In summary, the available evidence is currently insufficient to determine the role of this variant in disease. Therefore, it has been classified as a Variant of Uncertain Significance.

NM_001122630.2(CDKN1C):c.-10-14G>A

Gene: CDKN1C (cyclin dependent kinase inhibitor 1C; minus strand). Cytogenetic location: 11p15.4.
Variant type: single nucleotide variant.
Coding change: c.-10-14G>A on transcript NM_001122630.2 (MANE Select); 14 bases into the intron before 10 bases upstream of the start codon, G replaced by A.
Molecular consequence: intron variant. On other transcripts: missense variant (2).
Genome position (GRCh38, 1-based): chr11:2,885,480, C>T on the plus strand (G>A on the coding strand, the complement: CDKN1C is on the minus strand). VCF-style: chr11-2885480-C-T. GRCh37 (hg19) VCF-style: chr11-2906710-C-T.
Other names: c.10G>A, p.Ala4Thr (NM_000076.2, NM_001362474.2); c.-10-14G>A (NM_001362475.2, NM_001122631.2); short protein forms A4T.
Identifiers: ClinVar variation 1387868 (VCV001387868.8), dbSNP rs2133786761, ClinGen allele CA379148033.